The following is an entry in ClinVar:

ClinVar aggregate classification (germline): Uncertain significance (1 of 4 stars; one submission).

Submission:

Ambry Genetics
Classification: Uncertain significance. Last evaluated: 2024-03-28. Review status: criteria provided, single submitter. Criteria: Ambry Variant Classification Scheme 2023. Collection method: clinical testing. Allele origin: germline.
Comment: The p.D206G variant (also known as c.617A>G), located in coding exon 7 of the FAM175A gene, results from an A to G substitution at nucleotide position 617. The aspartic acid at codon 206 is replaced by glycine, an amino acid with similar properties. This amino acid position is conserved. In addition, this alteration is predicted to be tolerated by in silico analysis. Since supporting evidence is limited at this time, the clinical significance of this alteration remains unclear.

NM_139076.3(ABRAXAS1):c.617A>G (p.Asp206Gly)

Gene: ABRAXAS1 (abraxas 1, BRCA1 A complex subunit; minus strand). Cytogenetic location: 4q21.23.
Variant type: single nucleotide variant.
Coding change: c.617A>G on transcript NM_139076.3 (MANE Select); coding-DNA position 617, A replaced by G.
Protein change: p.Asp206Gly; replaces aspartic acid 206 with glycine.
Molecular consequence: missense variant.
Genome position (GRCh38, 1-based): chr4:83,467,518, T>C on the plus strand (A>G on the coding strand, the complement: ABRAXAS1 is on the minus strand). VCF-style: chr4-83467518-T-C. GRCh37 (hg19) VCF-style: chr4-84388671-T-C.
Other names: c.290A>G, p.Asp97Gly (NM_001345962.2); short protein forms D206G, D97G.
Identifiers: ClinVar variation 1799648 (VCV001799648.2), dbSNP rs1722417647, ClinGen allele CA357258890.